The following is an entry in ClinVar:

NM_018480.7(TMEM126B):c.398-1G>A

Gene: TMEM126B (transmembrane protein 126B; plus strand). Cytogenetic location: 11q14.1.
Variant type: single nucleotide variant.
Coding change: c.398-1G>A on transcript NM_018480.7 (MANE Select); the canonical splice acceptor site of the intron before coding-DNA position 398, G replaced by A.
Molecular consequence: splice acceptor variant.
Genome position (GRCh38, 1-based): chr11:85,635,666, G>A. VCF-style: chr11-85635666-G-A. GRCh37 (hg19) VCF-style: chr11-85346710-G-A.
Other names: c.338-1G>A (NM_001193537.3); c.308-1G>A (NM_001256546.2, NM_001193538.3); c.260-1G>A (NM_001256547.2); c.173-1G>A (NM_001350393.1).
Identifiers: ClinVar variation 5005006 (VCV005005006.2).

ClinVar aggregate classification (germline): Likely pathogenic (1 of 4 stars; one submission).

Conditions:
Mitochondrial complex I deficiency, nuclear type 29. Also called: Mitochondrial complex 1 deficiency, nuclear type 29. Identifiers: MedGen C4748830, MONDO:0032633, OMIM 618250.

Submission:

Juno Genomics, Hangzhou Juno Genomics, Inc
Classification: Likely pathogenic for Mitochondrial complex I deficiency, nuclear type 29. Review status: criteria provided, single submitter. Criteria: ACMG Guidelines, 2015. Collection method: clinical testing. Allele origin: germline.
Comment: Null variant in a gene where loss of function (LOF) is a known mechanism of disease.;Absent from controls (or at extremely low frequency if recessive) in Genome Aggregation Database.